The following is an entry in ClinVar:

ClinVar aggregate classification (germline): Likely benign (1 of 4 stars; one submission).

Conditions:
PLXNA2-related disorder. Also called: PLXNA2-related condition.

gnomAD v4.1: 5 of 1,614,102 alleles (0.00031%); highest among the groups gnomAD compares: East Asian, 0.0089%; no homozygotes.

Submission:

PreventionGenetics, part of Exact Sciences
Classification: Likely benign for PLXNA2-related condition. Last evaluated: 2026-03-20. Review status: criteria provided, single submitter. Criteria: ACMG Guidelines, 2015. Collection method: clinical testing. Allele origin: germline.
Comment: This variant is classified as likely benign based on ACMG/AMP sequence variant interpretation guidelines (Richards et al. 2015 PMID: 25741868, with internal and published modifications).

NM_025179.4(PLXNA2):c.4176C>T (p.Thr1392=)

Gene: PLXNA2 (plexin A2; minus strand). Cytogenetic location: 1q32.2.
Variant type: single nucleotide variant.
Coding change: c.4176C>T on transcript NM_025179.4 (MANE Select); coding-DNA position 4176, C replaced by T.
Protein change: p.Thr1392=; no amino-acid change (threonine 1392 retained).
Molecular consequence: synonymous variant.
Genome position (GRCh38, 1-based): chr1:208,042,208, G>A on the plus strand (C>T on the coding strand, the complement: PLXNA2 is on the minus strand). VCF-style: chr1-208042208-G-A. GRCh37 (hg19) VCF-style: chr1-208215553-G-A.
Identifiers: ClinVar variation 4984372 (VCV004984372.1).